The following is an entry in ClinVar:

NM_005896.4(IDH1):c.395G>A (p.Arg132His)

Gene: IDH1 (isocitrate dehydrogenase (NADP(+)) 1; minus strand). Cytogenetic location: 2q34.
Variant type: single nucleotide variant.
Coding change: c.395G>A on transcript NM_005896.4 (MANE Select); coding-DNA position 395, G replaced by A.
Protein change: p.Arg132His; replaces arginine 132 with histidine.
Molecular consequence: missense variant.
Genome position (GRCh38, 1-based): chr2:208,248,388, C>T on the plus strand (G>A on the coding strand, the complement: IDH1 is on the minus strand). VCF-style: chr2-208248388-C-T. GRCh37 (hg19) VCF-style: chr2-209113112-C-T.
Other names: c.395G>A (NM_005896.3); c.395G>A, p.Arg132His (NM_001282387.1, NM_001282386.1); short protein forms R132H.
Identifiers: ClinVar variation 156444 (VCV000156444.43), dbSNP rs121913500, ClinGen allele CA170874.

ClinVar aggregate classification (germline): Pathogenic/Likely pathogenic. Review status: criteria provided, multiple submitters, no conflicts (2 of 4 stars). 11 submissions from 11 submitters: Pathogenic (8); Likely pathogenic (1). 2 of the submissions do not count toward it. Last evaluated 2026-07-01.
ClinVar aggregate classification (somatic clinical impact): Tier I - Strong. Review status: criteria provided, single submitter (1 of 4 stars). 3 submissions from 1 submitter. Last evaluated 2025-08-18.
ClinVar aggregate classification (oncogenicity): Oncogenic (1 of 4 stars; one submission).

Conditions:
Metaphyseal chondromatosis.
IDH1-related disorders.
Metaphyseal chondromatosis with D-2-hydroxyglutaric aciduria. Also called: Metaphyseal enchondromatosis with d-2-hydroxyglutaric aciduria; SPONDYLOENCHONDROMATOSIS WITH D-2-HYDROXYGLUTARIC ACIDURIA; METAPHYSEAL ENCHONDRODYSPLASIA WITH 2-HYDROXYGLUTARIC ACIDURIA. Identifiers: Orphanet 99646, MedGen C3553958, MONDO:0013941, OMIM 614875.
Glioblastoma multiforme, somatic. Identifiers: MedGen C4016231.
Enchondromatosis. Also called: DYSCHONDROPLASIA; Ollier disease; ENCHONDROMATOSIS, MULTIPLE, OLLIER TYPE; Multiple cartilaginous enchondroses; Multiple enchondromatosis. Identifiers: Orphanet 296, MedGen C0014084, MONDO:0008145, OMIM 166000, HP:0005701.
Glioma susceptibility 1 (GLM1). Also called: Glioblastoma, somatic. Identifiers: MedGen C2750850, MONDO:0024498, OMIM 137800.
Oligodendroglioma. Identifiers: Orphanet 251627, MedGen C0028945, MeSH D009837, MONDO:0016695, HP:0033681.
Astrocytoma IDH-mutant. Identifiers: MedGen C5669733.
Acute myeloid leukemia with NPM1 somatic mutations. Identifiers: Orphanet 402026, MedGen C4706386, MONDO:0018437.
Neoplasm. Also called: tumor; Neoplasms; Neoplasm (disease). Identifiers: MedGen C0027651, MeSH D009369, MONDO:0005070, HP:0002664.

Allele frequency attached by ClinVar (database versions not stated): gnomAD 0.00001; gnomAD exomes 0.00001; ExAC 0.00002.
gnomAD v4.1: 16 of 1,613,530 alleles (0.00099%); highest among the groups gnomAD compares: East Asian, 0.0022%; no homozygotes.

Submissions 1 to 11 of 15:

CeGaT Center for Human Genetics Tuebingen
Classification: Pathogenic. Last evaluated: 2026-07-01. Review status: criteria provided, single submitter. Criteria: CeGaT Center For Human Genetics Tuebingen Variant Classification Criteria Version 2. Collection method: clinical testing. Allele origin: germline. Affected: yes. Observed: 2 variant alleles.
Comment: IDH1: PS4, PM1, PM2, PP4, PS3:Supporting

Institute for Genomic Medicine (IGM) Clinical Laboratory, Nationwide Children's Hospital
Classification: Tier I - Strong for Acute myeloid leukemia with NPM1 somatic mutations. Assertion type: diagnostic. Clinical significance: supports diagnosis. Last evaluated: 2025-08-18. Review status: criteria provided, single submitter. Criteria: AMP/ASCO/CAP Guidelines, 2017. Collection method: clinical testing. Allele origin: somatic. Affected: yes.
Comment: Variant has Tier I (strong) clinical significance as a diagnostic inclusion criterion in acute myeloid leukemia with NPM1 somatic mutations, based on the following evidence: 1) Documented in one or more cancer databases (e.g., St. Jude Pecan, COSMIC, CIViC, OncoKB). 2) Appears in one or more well-established professional guidelines (e.g., World Health Organization [WHO]; National Comprehensive Cancer Network [NCCN]) as providing diagnostic, prognostic, or therapeutic information. 3) Information in the literature supports potential biologic effect of variant. 4) Diagnostic for a specific tumor type/classification based on well-powered studies with expert-level consensus (Evidence Level B; PMIDs: 27276561, 27288520, 28152414, 37267439).

Center for Genomic Medicine, Rigshospitalet, Copenhagen University Hospital
Classification: Oncogenic for Neoplasm. Last evaluated: 2025-03-04. Review status: criteria provided, single submitter. Criteria: ClinGen/CGC/VICC Guidelines for Oncogenicity, 2022. Collection method: clinical testing. Allele origin: somatic. Affected: yes.

Clinical Genomics Laboratory, Washington University in St. Louis
Classification: Pathogenic. Last evaluated: 2024-12-30. Review status: criteria provided, single submitter. Criteria: ACMG Guidelines, 2015. Collection method: clinical testing. Allele origin: germline. Affected: yes.
Comment: An IDH1 c.395G>A (p.Arg132His) variant was identified at a near heterozygous allelic fraction of 43.4%, a frequency which may be consistent with germline origin. This variant has been reported in a germline state in individuals with Ollier disease and gliomas (Kendroud S et al., Neurology, 92; Number 15_supplement April 9, 2019; Ikeda H et al., PMID: 36942363). It has also been reported in a somatic state in individuals with Ollier disease and Maffucci syndrome (Ashirov N et al., PMID: 37374260; Pansuriya TC et al., PMID: 22057234) and in numerous types of cancer in the cancer database COSMIC (Genomic mutation ID: COSV61615239). It has been reported in the ClinVar database as a germline pathogenic variant by six submitters (ClinVar Variation ID: 156444). The IDH1 c.395G>A (p.Arg132His) variant is only observed on 16/1,613,530 alleles in the general population (gnomAD v4.1.0), indicating it is not a common variant. This variant resides within a region of IDH1 that is defined as a critical functional domain (Reitman ZJ et al., PMID: 20513808). Computational predictors indicate that the variant is damaging, evidence that correlates with impact to IDH1 function. In support of this prediction, functional studies using cell lines show that this variant alters the enzymatic properties of IDH1 and results in a gain-of-function for NADPH-dependent reduction of alpha-ketoglutarate (Dang L et al., PMID: 19935646). Other variants in the same codon, c.394C>T (p.Arg132Cys), c.394C>A (p.Arg132Ser) and c.395G>T (p.Arg132Leu) have been reported and are considered pathogenic (Saiji E et al., PMID: 31240473; Amary MF et al., PMID: 22057236; ClinVar variation ID's: 375891, 375893, 375889). Based on available information and the ACMG/AMP guidelines for variant interpretation (Richards S et al., PMID: 25741868), this variant is classified as pathogenic.

Genomic Medicine Center of Excellence, King Faisal Specialist Hospital and Research Centre
Classification: Pathogenic for Glioma susceptibility 1. Last evaluated: 2024-12-18. Review status: criteria provided, single submitter. Criteria: ACMG Guidelines, 2015. Collection method: clinical testing. Allele origin: germline.

Institute for Genomic Medicine (IGM) Clinical Laboratory, Nationwide Children's Hospital
Classification: Tier I - Strong for Astrocytoma IDH-mutant. Assertion type: diagnostic. Clinical significance: supports diagnosis. Last evaluated: 2024-08-20. Review status: criteria provided, single submitter. Criteria: AMP/ASCO/CAP Guidelines, 2017. Collection method: clinical testing. Allele origin: somatic. Affected: yes.
Comment: Variant has Tier I (strong) clinical significance as a diagnostic inclusion criterion in Astrocytoma IDH-mutant, based on the following evidence: 1) Documented in one or more cancer databases (e.g., St. Jude Pecan, COSMIC, CIViC, OncoKB). 2) Appears in one or more well-established professional guidelines (e.g., World Health Organization [WHO]; National Comprehensive Cancer Network [NCCN]) as providing diagnostic, prognostic, or therapeutic information. 3) Information in the literature supports potential biologic effect of variant (PMIDs: 19935646, 24529257, 28330869, 22343889). 4) Diagnostic for a specific tumor type/classification according to professional guidelines (Evidence Level A; PMIDs: 19228619, 26061751, 19246647, 33772213, 35604410, 24140581, 30326163).

Institute for Genomic Medicine (IGM) Clinical Laboratory, Nationwide Children's Hospital
Classification: Tier I - Strong for Oligodendroglioma. Assertion type: diagnostic. Clinical significance: supports diagnosis. Last evaluated: 2023-12-21. Review status: criteria provided, single submitter. Criteria: AMP/ASCO/CAP Guidelines, 2017. Collection method: clinical testing. Allele origin: somatic. Affected: yes.
Comment: Variant has Tier I (strong) clinical significance as a diagnostic inclusion criterion in oligodendroglioma, based on the following evidence: 1) Documented in one or more cancer databases (e.g., St. Jude Pecan, COSMIC, CIViC, OncoKB). 2) Appears in one or more well-established professional guidelines (e.g., World Health Organization [WHO]; National Comprehensive Cancer Network [NCCN]) as providing diagnostic, prognostic, or therapeutic information. 3) Information in the literature supports potential biologic effect of variant (PMIDs: 19935646, 22343889). 4) Diagnostic for a specific tumor type/classification according to professional guidelines (Evidence Level A; PMIDs: 19554337, 22072542).

Greenwood Genetic Center Diagnostic Laboratories, Greenwood Genetic Center
Classification: Pathogenic for Metaphyseal chondromatosis. Last evaluated: 2023-08-02. Review status: criteria provided, single submitter. Criteria: ACMG Guidelines, 2015. Collection method: clinical testing. Allele origin: germline. Affected: yes.
Comment: PS4, PM2, PM5, PM6_Strong, PP3

Kasturba Medical College, Manipal, Kasturba Medical College, Manipal, Manipal Academy of Higher Education, Manipal, India
Classification: Pathogenic for Enchondromatosis. Last evaluated: 2022-05-09. Review status: criteria provided, single submitter. Criteria: ACMG Guidelines, 2015. Collection method: clinical testing. Allele origin: germline. Affected: yes.

Blueprint Genetics
Classification: Pathogenic for IDH1-related disorders. Last evaluated: 2022-01-26. Review status: criteria provided, single submitter. Criteria: ACMG Guidelines, 2015. Collection method: clinical testing. Allele origin: germline. Affected: yes. Observed: 1 variant allele.

Clinical Genetics and Genomics, Karolinska University Hospital
Classification: Pathogenic. Last evaluated: 2019-10-29. Review status: criteria provided, single submitter. Criteria: ACMG Guidelines, 2015. Collection method: clinical testing. Allele origin: germline. Affected: yes. Observed: 1 variant allele.